The following is an entry in ClinVar:

NM_001099274.3(TINF2):c.1010dup (p.Arg338fs)

Gene: TINF2 (TERF1 interacting nuclear factor 2; minus strand). Cytogenetic location: 14q12.
Variant type: Duplication.
Coding change: c.1010dup on transcript NM_001099274.3 (MANE Select); coding-DNA position 1010, one base duplicated (G; older notation c.1010dupG).
Protein change: p.Arg338fs; shifts the reading frame from arginine 338.
Molecular consequence: frameshift variant.
Genome position (GRCh38, 1-based): chr14:24,240,470, C duplicated on the plus strand (G on the coding strand, the reverse complement: TINF2 is on the minus strand); the first of 6 consecutive C bases (chr14:24,240,470-24,240,475); duplicating any one gives the same sequence. VCF-style (leftmost placement, unchanged base first): chr14-24240469-T-TC. GRCh37 (hg19) VCF-style: chr14-24709675-T-TC.
Other names: c.905dup, p.Arg303fs (NM_001363668.2); c.1010dup, p.Arg338fs (NM_012461.3); short protein forms R338fs, R303fs.
Identifiers: ClinVar variation 2917942 (VCV002917942.3), dbSNP rs756029660, ClinGen allele CA7130530.

ClinVar aggregate classification (germline): Uncertain significance (1 of 4 stars; one submission).

Conditions:
Dyskeratosis congenita. Identifiers: Orphanet 1775, MedGen C0265965, MONDO:0015780.

Submission:

Labcorp Genetics (formerly Invitae), Labcorp
Classification: Uncertain significance for Dyskeratosis congenita. Last evaluated: 2023-10-08. Review status: criteria provided, single submitter. Criteria: Invitae Variant Classification Sherloc (09022015). Collection method: clinical testing. Allele origin: germline.
Comment: This sequence change creates a premature translational stop signal (p.Arg338Lysfs*9) in the TINF2 gene. It is expected to result in an absent or disrupted protein product. However, the current clinical and genetic evidence is not sufficient to establish whether loss-of-function variants in TINF2 cause disease. This variant is present in population databases (rs756029660, gnomAD 0.006%). This variant has not been reported in the literature in individuals affected with TINF2-related conditions. In summary, the available evidence is currently insufficient to determine the role of this variant in disease. Therefore, it has been classified as a Variant of Uncertain Significance.